The following is an entry in ClinVar:

NM_016616.5(NME8):c.529A>T (p.Ile177Phe)

Gene: NME8 (NME/NM23 family member 8; plus strand). Cytogenetic location: 7p14.1.
Variant type: single nucleotide variant.
Coding change: c.529A>T on transcript NM_016616.5 (MANE Select); coding-DNA position 529, A replaced by T.
Protein change: p.Ile177Phe; replaces isoleucine 177 with phenylalanine.
Molecular consequence: missense variant.
Genome position (GRCh38, 1-based): chr7:37,865,525, A>T. VCF-style: chr7-37865525-A-T. GRCh37 (hg19) VCF-style: chr7-37905127-A-T.
Other names: short protein forms I177F.
Identifiers: ClinVar variation 657867 (VCV000657867.9), dbSNP rs372584831, ClinGen allele CA4222256.

ClinVar aggregate classification (germline): Uncertain significance. Review status: criteria provided, multiple submitters, no conflicts (2 of 4 stars). 3 submissions from 3 submitters: Uncertain significance (3). Last evaluated 2025-09-26.

Conditions:
Primary ciliary dyskinesia 6. Also called: Primary Ciliary Dyskinesia 6: TXNDC3-Related Primary Ciliary Dyskinesia. Identifiers: Orphanet 244, MedGen C1970506, MONDO:0012571, OMIM 610852.
Primary ciliary dyskinesia. Also called: Ciliary dyskinesia. Identifiers: Orphanet 244, MedGen C0008780, MONDO:0016575, HP:0012265.

Allele frequency attached by ClinVar (database versions not stated): gnomAD exomes 0.00002; TOPMed 0.00002.
gnomAD v4.1: 37 of 1,608,214 alleles (0.0023%); highest among the groups gnomAD compares: Non-Finnish European, 0.0029%; no homozygotes.

Submissions (3):

Ambry Genetics
Classification: Uncertain significance for Primary ciliary dyskinesia. Last evaluated: 2025-09-26. Review status: criteria provided, single submitter. Criteria: Ambry Variant Classification Scheme 2023. Collection method: clinical testing. Allele origin: germline.

Blueprint Genetics
Classification: Uncertain significance. Last evaluated: 2024-09-05. Review status: criteria provided, single submitter. Criteria: ACMG Guidelines, 2015. Collection method: clinical testing. Allele origin: germline.

Labcorp Genetics (formerly Invitae), Labcorp
Classification: Uncertain significance for Primary ciliary dyskinesia 6. Last evaluated: 2018-10-09. Review status: criteria provided, single submitter. Criteria: Invitae Variant Classification Sherloc (09022015). Collection method: clinical testing. Allele origin: germline.
Comment: This sequence change replaces isoleucine with phenylalanine at codon 177 of the NME8 protein (p.Ile177Phe). The isoleucine residue is moderately conserved and there is a small physicochemical difference between isoleucine and phenylalanine. This variant is present in population databases (rs372584831, ExAC 0.002%). This variant has not been reported in the literature in individuals with NME8-related disease. Algorithms developed to predict the effect of missense changes on protein structure and function are either unavailable or do not agree on the potential impact of this missense change (SIFT: "Deleterious"; PolyPhen-2: "Probably Damaging"; Align-GVGD: "Class C0"). Algorithms developed to predict the effect of sequence changes on RNA splicing suggest that this variant may disrupt the consensus splice site, but this prediction has not been confirmed by published transcriptional studies. In summary, the available evidence is currently insufficient to determine the role of this variant in disease. Therefore, it has been classified as a Variant of Uncertain Significance.